The following is an entry in ClinVar:

ClinVar aggregate classification (germline): Pathogenic/Likely pathogenic. Review status: criteria provided, multiple submitters, no conflicts (2 of 4 stars). 2 submissions from 2 submitters: Pathogenic (1); Likely pathogenic (1). Last evaluated 2025-06-25.

Conditions:
Hereditary cancer-predisposing syndrome. Also called: Tumor predisposition; Neoplastic Syndromes, Hereditary; Hereditary Cancer Syndrome; Hereditary neoplastic syndrome. Identifiers: Orphanet 140162, MedGen C0027672, MeSH D009386, MONDO:0015356.
Hereditary breast ovarian cancer syndrome. Also called: Hereditary breast and ovarian cancer; Breast and ovarian cancer; Hereditary breast and/or ovarian cancer syndrome; Hereditary breast and ovarian cancer syndrome; BRCA1- and BRCA2-Associated Hereditary Breast and Ovarian Cancer; Hereditary breast and ovarian cancer syndrome (HBOC). Identifiers: Orphanet 145, MedGen C0677776, MeSH D061325, MONDO:0003582. Disease mechanism: loss of function.

Submissions (2):

GeneKor MSA
Classification: Likely pathogenic for Hereditary breast ovarian cancer syndrome. Last evaluated: 2025-06-25. Review status: criteria provided, single submitter. Criteria: ACMG Guidelines, 2015. Collection method: clinical testing. Allele origin: germline. Affected: no.
Comment: This is a single nucleotide substitution creating a premature translational stop signal at codon 853 of the BRCA2 protein p.(Gln853*). It is expected to result in an absent or disrupted protein product. Truncating variants in BRCA2 are known to be pathogenic (PMID:20104584). This variation is not present in population databases and has not been reported in the international literature in individuals affected with hereditary cancer. The mutation database ClinVar contains an entry for this variant where it is listed as pathogenic (VCV003482060.1). Based on the classification criteria set by the ACMG and AMP (PMID:25741868) this variant has been classified as likely pathogenic.

Ambry Genetics
Classification: Pathogenic for Hereditary cancer-predisposing syndrome. Last evaluated: 2024-09-03. Review status: criteria provided, single submitter. Criteria: Ambry Variant Classification Scheme 2023. Collection method: clinical testing. Allele origin: germline.
Comment: The p.Q853* pathogenic mutation (also known as c.2557C>T), located in coding exon 10 of the BRCA2 gene, results from a C to T substitution at nucleotide position 2557. This changes the amino acid from a glutamine to a stop codon within coding exon 10. This variant is considered to be rare based on population cohorts in the Genome Aggregation Database (gnomAD). This alteration is expected to result in loss of function by premature protein truncation or nonsense-mediated mRNA decay. As such, this alteration is interpreted as a disease-causing mutation.

Literature cited by the submitters: PubMed 20104584 (cited by GeneKor MSA).

NM_000059.4(BRCA2):c.2557C>T (p.Gln853Ter)

Gene: BRCA2 (BRCA2 DNA repair associated; plus strand). Cytogenetic location: 13q13.1.
Variant type: single nucleotide variant.
Coding change: c.2557C>T on transcript NM_000059.4 (MANE Select); coding-DNA position 2557, C replaced by T.
Protein change: p.Gln853Ter; replaces glutamine 853 with a stop codon.
Molecular consequence: nonsense. On other transcripts: non-coding transcript variant (1), intron variant (2).
Genome position (GRCh38, 1-based): chr13:32,336,912, C>T. VCF-style: chr13-32336912-C-T. GRCh37 (hg19) VCF-style: chr13-32911049-C-T.
Other names: c.2557C>T, p.Gln853Ter (NM_001406719.1, NM_001406720.1, NM_001432077.1); c.1909+3525C>T (NM_001406721.1); c.424+5882C>T (NM_001406722.1); short protein forms Q853*.
Identifiers: ClinVar variation 3482060 (VCV003482060.2).
Genomic context (GRCh38, chr13:32,336,912, plus strand): 5'-CTGTTGCCACCTGAAAAATACATGAGAGTAGCATCACCTTCAAGAAAGGTACAATTCAAC[C>T]AAAACACAAATCTAAGAGTAATCCAAAAAAATCAAGAAGAAACTACTTCAATTTCAAAAA-3'